The following is an entry in ClinVar:

NM_031892.3(SH3KBP1):c.1033G>A (p.Ala345Thr)

Gene: SH3KBP1 (SH3 domain containing kinase binding protein 1; minus strand). Cytogenetic location: Xp22.12.
Variant type: single nucleotide variant.
Coding change: c.1033G>A on transcript NM_031892.3 (MANE Select); coding-DNA position 1033, G replaced by A.
Protein change: p.Ala345Thr; replaces alanine 345 with threonine.
Molecular consequence: missense variant.
Genome position (GRCh38, 1-based): chrX:19,594,973, C>T on the plus strand (G>A on the coding strand, the complement: SH3KBP1 is on the minus strand). VCF-style: chrX-19594973-C-T. GRCh37 (hg19) VCF-style: chrX-19613091-C-T.
Other names: c.1033G>A (NM_031892.2); c.922G>A, p.Ala308Thr (NM_001024666.3); c.319G>A, p.Ala107Thr (NM_001184960.2, NM_001353897.2); c.1033G>A, p.Ala345Thr (NM_001353890.2); c.1108G>A, p.Ala370Thr (NM_001353891.2, NM_001353892.2); c.931G>A, p.Ala311Thr (NM_001353893.2, NM_001353894.2); c.988G>A, p.Ala330Thr (NM_001353895.2); short protein forms A107T, A370T, A308T, A330T, A311T, A345T.
Identifiers: ClinVar variation 1443012 (VCV001443012.9), dbSNP rs41311799, ClinGen allele CA10364661.

ClinVar aggregate classification (germline): Uncertain significance. Review status: criteria provided, multiple submitters, no conflicts (2 of 4 stars). 2 submissions from 2 submitters: Uncertain significance (2). Last evaluated 2025-10-07.

Allele frequency attached by ClinVar (database versions not stated): gnomAD exomes 0.00002; ExAC 0.00006; TOPMed 0.00007; gnomAD 0.00009; ESP Exome Variant Server 0.00019; 1000 Genomes Project 30x 0.00021.
gnomAD v4.1: 27 of 1,200,530 alleles (0.0022%); highest among the groups gnomAD compares: Admixed American, 0.013%; no homozygotes.

Submissions (2):

Ambry Genetics
Classification: Uncertain significance. Last evaluated: 2025-10-07. Review status: criteria provided, single submitter. Criteria: Ambry Variant Classification Scheme 2023. Collection method: clinical testing. Allele origin: germline.

Labcorp Genetics (formerly Invitae), Labcorp
Classification: Uncertain significance. Last evaluated: 2024-09-10. Review status: criteria provided, single submitter. Criteria: Invitae Variant Classification Sherloc (09022015). Collection method: clinical testing. Allele origin: germline.
Comment: This sequence change replaces alanine, which is neutral and non-polar, with threonine, which is neutral and polar, at codon 345 of the SH3KBP1 protein (p.Ala345Thr). This variant is present in population databases (rs41311799, gnomAD 0.01%). This variant has not been reported in the literature in individuals affected with SH3KBP1-related conditions. ClinVar contains an entry for this variant (Variation ID: 1443012). Invitae Evidence Modeling of protein sequence and biophysical properties (such as structural, functional, and spatial information, amino acid conservation, physicochemical variation, residue mobility, and thermodynamic stability) indicates that this missense variant is not expected to disrupt SH3KBP1 protein function with a negative predictive value of 80%. In summary, the available evidence is currently insufficient to determine the role of this variant in disease. Therefore, it has been classified as a Variant of Uncertain Significance.